The following is an entry in ClinVar:

NM_000094.4(COL7A1):c.5945G>A (p.Gly1982Glu)

Gene: COL7A1 (collagen type VII alpha 1 chain; minus strand). Cytogenetic location: 3p21.31.
Variant type: single nucleotide variant.
Coding change: c.5945G>A on transcript NM_000094.4 (MANE Select); coding-DNA position 5945, G replaced by A.
Protein change: p.Gly1982Glu; replaces glycine 1982 with glutamic acid.
Molecular consequence: missense variant.
Genome position (GRCh38, 1-based): chr3:48,575,660, C>T on the plus strand (G>A on the coding strand, the complement: COL7A1 is on the minus strand). VCF-style: chr3-48575660-C-T. GRCh37 (hg19) VCF-style: chr3-48613093-C-T.
Other names: short protein forms G1982E.
Identifiers: ClinVar variation 3589264 (VCV003589264.3).
Genomic context (GRCh38, chr3:48,575,660, plus strand): 5'-CAACCCACTGAGCCACTTCTGCTCACCTCCTTGCCTGGGGGGCCCTGTTCGCCTGAGTCC[C>T]CCTTGGGGCCTCGACGCCGTTCGGGCACAGGCAGGAAGCTACCAGAGCTCTCATCCCAGG-3'
Protein context (NP_000085.1, residues 1972-1992): PVPERRRGPK[Gly1982Glu]DSGEQGPPGK

ClinVar aggregate classification (germline): Likely pathogenic. Review status: criteria provided, multiple submitters, no conflicts (2 of 4 stars). 3 submissions from 3 submitters: Likely pathogenic (3). Last evaluated 2025-04-18.

Conditions:
Epidermolysis bullosa pruriginosa. Also called: DEB, PRURIGINOSA; DYSTROPHIC EPIDERMOLYSIS BULLOSA PRURIGINOSA. Identifiers: Orphanet 89843, MedGen C1275114, MONDO:0011398, OMIM 604129.
Nonsyndromic congenital nail disorder 8. Also called: TOENAIL DYSTROPHY, ISOLATED. Identifiers: MedGen C1843761, MONDO:0011852, OMIM 607523.
Generalized dominant dystrophic epidermolysis bullosa (DDEB). Also called: Dominant DEB (DDEB); DDEB, generalized; DDEB-gen; DYSTROPHIC EPIDERMOLYSIS BULLOSA, AUTOSOMAL DOMINANT; Epidermolysis bullosa dystrophica, autosomal dominant. Identifiers: Orphanet 231568, MedGen C0432322, MONDO:0007549, OMIM 131750.
Pretibial dystrophic epidermolysis bullosa. Also called: EPIDERMOLYSIS BULLOSA DYSTROPHICA, PRETIBIAL; Pretibial blistering; Pretibial epidermolysis bullosa. Identifiers: Orphanet 79410, MedGen C0432321, MONDO:0007552, OMIM 131850, HP:0012221.
Dominant dystrophic epidermolysis bullosa with absence of skin. Also called: EPIDERMOLYSIS BULLOSA WITH CONGENITAL LOCALIZED ABSENCE OF SKIN AND DEFORMITY OF NAILS; EPIDERMOLYSIS BULLOSA DYSTROPHICA, BART TYPE. Identifiers: MedGen C0268371, MONDO:0007557, OMIM 132000.
Recessive dystrophic epidermolysis bullosa (RDEB). Also called: epidermolysis bullosa dystrophica, autosomal recessive; EPIDERMOLYSIS BULLOSA DYSTROPHICA, GENERALIZED SEVERE, AUTOSOMAL RECESSIVE; Hallopeau-Siemens Disease; Recessive DEB (RDEB); EPIDERMOLYSIS BULLOSA DYSTROPHICA, HALLOPEAU-SIEMENS TYPE; DYSTROPHIC EPIDERMOLYSIS BULLOSA, AUTOSOMAL RECESSIVE. Identifiers: Orphanet 79408, Orphanet 79409, MedGen C0079474, MONDO:0009179, OMIM 226600.
Transient bullous dermolysis of the newborn (TBDN). Also called: DYSTROPHIC EPIDERMOLYSIS BULLOSA, NEONATAL; EPIDERMOLYSIS BULLOSA DYSTROPHICA, NEONATAL FORM. Identifiers: Orphanet 79411, MedGen C1851573, MONDO:0007548, OMIM 131705.
COL7A1-related disorder. Also called: COL7A1- related disorders; COL7A1-related condition.

gnomAD v4.1: 2 of 1,613,592 alleles (0.00012%); highest among the groups gnomAD compares: Non-Finnish European, 0.00017%; no homozygotes.

Submissions (3):

Myriad Genetics, Inc.
Classification: Likely pathogenic for Recessive dystrophic epidermolysis bullosa. Last evaluated: 2025-04-18. Review status: criteria provided, single submitter. Criteria: Myriad Autosomal Dominant, Autosomal Recessive and X-Linked Classification Criteria (2023). Collection method: clinical testing. Allele origin: unknown.
Comment: NM_000094.3(COL7A1):c.5945G>A(G1982E) is a missense variant classified as likely pathogenic in the context of dystrophic epidermolysis bullosa. G1982E has been observed in a case with relevant disease (PMID: 21448560). Relevant functional assessments of this variant are not available in the literature. Internal structural analysis of the variant is supportive of pathogenicity. G1982E has not been observed in referenced population frequency databases. In summary, NM_000094.3(COL7A1):c.5945G>A(G1982E) is a missense variant that has internal structural support for pathogenicity and has been observed more frequently in cases with the relevant disease than in healthy populations. Please note: this variant was assessed in the context of healthy population screening.

Fulgent Genetics
Classification: Likely pathogenic for Transient bullous dermolysis of the newborn; Generalized dominant dystrophic epidermolysis bullosa; Pretibial dystrophic epidermolysis bullosa; Dominant dystrophic epidermolysis bullosa with absence of skin; Recessive dystrophic epidermolysis bullosa; Epidermolysis bullosa pruriginosa; Nonsyndromic congenital nail disorder 8. Last evaluated: 2024-05-02. Review status: criteria provided, single submitter. Criteria: ACMG Guidelines, 2015. Collection method: clinical testing. Allele origin: germline.

Blueprint Genetics
Classification: Likely pathogenic for COL7A1-related disorders. Last evaluated: 2020-12-21. Review status: criteria provided, single submitter. Criteria: ACMG Guidelines, 2015. Collection method: clinical testing. Allele origin: germline. Affected: yes. Observed: 3 variant alleles.

Literature cited by the submitters: PubMed 21448560 (cited by Myriad Genetics, Inc.).